The following is an entry in ClinVar:

NM_019032.6(ADAMTSL4):c.2003G>A (p.Trp668Ter)

Genes: ADAMTSL4 (ADAMTS like 4; plus strand), ADAMTSL4-AS2 (ADAMTSL4 antisense RNA 2; minus strand). Cytogenetic location: 1q21.2.
Variant type: single nucleotide variant.
Coding change: c.2003G>A on transcript NM_019032.6 (MANE Select); coding-DNA position 2003, G replaced by A.
Protein change: p.Trp668Ter; replaces tryptophan 668 with a stop codon.
Molecular consequence: nonsense.
Genome position (GRCh38, 1-based): chr1:150,557,291, G>A. VCF-style: chr1-150557291-G-A. GRCh37 (hg19) VCF-style: chr1-150529767-G-A.
Other names: c.1886G>A, p.Trp629Ter (NM_001288607.2); c.2072G>A, p.Trp691Ter (NM_001288608.2); c.2003G>A, p.Trp668Ter (NM_001378596.1, NM_025008.5); short protein forms W629*, W691*, W668*.
Identifiers: ClinVar variation 2122294 (VCV002122294.4), dbSNP rs587767779, ClinGen allele CA30071491.

ClinVar aggregate classification (germline): Pathogenic (1 of 4 stars; one submission).

Allele frequency attached by ClinVar (database versions not stated): 1000 Genomes Project 30x 0.00016; 1000 Genomes Project 0.00020; gnomAD exomes below 0.00001; gnomAD 0.00001.
gnomAD v4.1: 3 of 1,612,334 alleles (0.00019%); highest among the groups gnomAD compares: African/African-American, 0.0027%; no homozygotes.

Submission:

Labcorp Genetics (formerly Invitae), Labcorp
Classification: Pathogenic. Last evaluated: 2023-01-24. Review status: criteria provided, single submitter. Criteria: Invitae Variant Classification Sherloc (09022015). Collection method: clinical testing. Allele origin: germline.
Comment: This sequence change creates a premature translational stop signal (p.Trp668*) in the ADAMTSL4 gene. It is expected to result in an absent or disrupted protein product. Loss-of-function variants in ADAMTSL4 are known to be pathogenic (PMID: 20564469, 28642162). This variant is not present in population databases (gnomAD no frequency). This variant has not been reported in the literature in individuals affected with ADAMTSL4-related conditions. For these reasons, this variant has been classified as Pathogenic.

Literature cited by the submitters: PubMed 20564469; PubMed 28642162.